The following is an entry in ClinVar:

ClinVar aggregate classification (germline): Conflicting classifications of pathogenicity. Review status: criteria provided, conflicting classifications (1 of 4 stars). 2 submissions from 2 submitters: Likely pathogenic (1); Uncertain significance (1). Last evaluated 2023-06-28.

Conditions:
Wiedemann-Steiner syndrome (WDSTS). Also called: Growth deficiency and mental retardation with facial dysmorphism. Identifiers: Orphanet 319182, MedGen C1854630, MONDO:0011518, OMIM 605130.

Submissions (2):

Illumina Laboratory Services, Illumina
Classification: Likely pathogenic for Wiedemann-Steiner Syndrome. Last evaluated: 2023-06-28. Review status: criteria provided, single submitter. Criteria: ICSLVariantClassificationCriteria RUGD 01 April 2020. Collection method: clinical testing. Allele origin: unknown.
Comment: The KMT2A c.3537T>G (p.Phe1179Leu) missense variant has not, to our knowledge, been reported in the peer-reviewed literature. This variant is not observed in version 2.1.1 or version 3.1.2 of the Genome Aggregation Database. The p.Phe1179Leu variant is located in a known zinc finger CXXC domain that selectively recognizes unmodified CpG DNA (PMID: 29276034). Multiple lines of computational evidence suggest the variant may impact the gene or gene product. This variant was identified in a de novo state. Based on the available evidence, the c.3537T>G (p.Phe1179Leu) variant is classified as likely pathogenic for Wiedemann-Steiner syndrome.

Labcorp Genetics (formerly Invitae), Labcorp
Classification: Uncertain significance. Last evaluated: 2022-11-26. Review status: criteria provided, single submitter. Criteria: Invitae Variant Classification Sherloc (09022015). Collection method: clinical testing. Allele origin: germline.
Comment: In summary, the available evidence is currently insufficient to determine the role of this variant in disease. Therefore, it has been classified as a Variant of Uncertain Significance. This sequence change replaces phenylalanine, which is neutral and non-polar, with leucine, which is neutral and non-polar, at codon 1179 of the KMT2A protein (p.Phe1179Leu). This variant is not present in population databases (gnomAD no frequency). This variant has not been reported in the literature in individuals affected with KMT2A-related conditions. Advanced modeling of protein sequence and biophysical properties (such as structural, functional, and spatial information, amino acid conservation, physicochemical variation, residue mobility, and thermodynamic stability) performed at Invitae indicates that this missense variant is expected to disrupt KMT2A protein function. Algorithms developed to predict the effect of sequence changes on RNA splicing suggest that this variant may create or strengthen a splice site.

Literature cited by the submitters: PubMed 29276034 (cited by Illumina Laboratory Services, Illumina).

NM_001197104.2(KMT2A):c.3537T>G (p.Phe1179Leu)

Gene: KMT2A (lysine methyltransferase 2A; plus strand). Cytogenetic location: 11q23.3.
Variant type: single nucleotide variant.
Coding change: c.3537T>G on transcript NM_001197104.2 (MANE Select); coding-DNA position 3537, T replaced by G.
Protein change: p.Phe1179Leu; replaces phenylalanine 1179 with leucine.
Molecular consequence: missense variant.
Genome position (GRCh38, 1-based): chr11:118,478,169, T>G. VCF-style: chr11-118478169-T-G. GRCh37 (hg19) VCF-style: chr11-118348884-T-G.
Other names: c.3636T>G, p.Phe1212Leu (NM_001412597.1); c.3537T>G, p.Phe1179Leu (NM_005933.4); short protein forms F1179L, F1212L.
Identifiers: ClinVar variation 2627904 (VCV002627904.4), dbSNP rs2496842179, ClinGen allele CA382825132.